The following is an entry in ClinVar:

ClinVar aggregate classification (germline): Uncertain significance (1 of 4 stars; one submission).

Submission:

Labcorp Genetics (formerly Invitae), Labcorp
Classification: Uncertain significance. Last evaluated: 2022-08-09. Review status: criteria provided, single submitter. Criteria: Invitae Variant Classification Sherloc (09022015). Collection method: clinical testing. Allele origin: germline.
Comment: In summary, the available evidence is currently insufficient to determine the role of this variant in disease. Therefore, it has been classified as a Variant of Uncertain Significance. This sequence change replaces threonine, which is neutral and polar, with alanine, which is neutral and non-polar, at codon 400 of the MOCS3 protein (p.Thr400Ala). This variant is not present in population databases (gnomAD no frequency). This variant has not been reported in the literature in individuals affected with MOCS3-related conditions. ClinVar contains an entry for this variant (Variation ID: 1366677). Algorithms developed to predict the effect of missense changes on protein structure and function output the following: SIFT: "Tolerated"; PolyPhen-2: "Benign"; Align-GVGD: "Class C0". The alanine amino acid residue is found in multiple mammalian species, which suggests that this missense change does not adversely affect protein function.

NM_014484.5(MOCS3):c.1198A>G (p.Thr400Ala)

Gene: MOCS3 (molybdenum cofactor synthesis 3; plus strand). Cytogenetic location: 20q13.13.
Variant type: single nucleotide variant.
Coding change: c.1198A>G on transcript NM_014484.5 (MANE Select); coding-DNA position 1198, A replaced by G.
Protein change: p.Thr400Ala; replaces threonine 400 with alanine.
Molecular consequence: missense variant.
Genome position (GRCh38, 1-based): chr20:50,960,040, A>G. VCF-style: chr20-50960040-A-G. GRCh37 (hg19) VCF-style: chr20-49576577-A-G.
Other names: short protein forms T400A.
Identifiers: ClinVar variation 1366677 (VCV001366677.6), dbSNP rs2123161391, ClinGen allele CA408986614.